The following is an entry in ClinVar:

ClinVar aggregate classification (germline): Uncertain significance (1 of 4 stars; one submission).

Conditions:
Inborn genetic diseases. Identifiers: MedGen C0950123, MeSH D030342.

Submission:

Ambry Genetics
Classification: Uncertain significance for Inborn genetic diseases. Last evaluated: 2025-06-08. Review status: criteria provided, single submitter. Criteria: Ambry Variant Classification Scheme 2023. Collection method: clinical testing. Allele origin: germline.
Comment: The p.G43S variant (also known as c.127G>A), located in coding exon 1 of the KDM1A gene, results from a G to A substitution at nucleotide position 127. The glycine at codon 43 is replaced by serine, an amino acid with similar properties. This amino acid position is conserved. In addition, this alteration is predicted to be tolerated by in silico analysis. Based on the available evidence, the clinical significance of this variant remains unclear.

NM_001009999.3(KDM1A):c.127G>A (p.Gly43Ser)

Gene: KDM1A (lysine demethylase 1A; plus strand). Cytogenetic location: 1p36.12.
Variant type: single nucleotide variant.
Coding change: c.127G>A on transcript NM_001009999.3 (MANE Select); coding-DNA position 127, G replaced by A.
Protein change: p.Gly43Ser; replaces glycine 43 with serine.
Molecular consequence: missense variant.
Genome position (GRCh38, 1-based): chr1:23,019,723, G>A. VCF-style: chr1-23019723-G-A. GRCh37 (hg19) VCF-style: chr1-23346216-G-A.
Other names: c.127G>A, p.Gly43Ser (NM_001363654.2, NM_001410762.1, NM_001410763.1 and 1 more transcripts); short protein forms G43S.
Identifiers: ClinVar variation 4042180 (VCV004042180.1).
Genomic context (GRCh38, chr1:23,019,723, plus strand): 5'-GCTGGCCCTGGGACAGCAGGCGGCTCCGAGAACGGGTCTGAGGTGGCCGCGCAGCCCGCG[G>A]GCCTGTCGGGCCCAGCCGAGGTCGGGCCGGGGGCGGTGGGGGAGCGCACACCCCGCAAGA-3'
Protein context (NP_001009999.1, residues 33-53): NGSEVAAQPA[Gly43Ser]LSGPAEVGPG